The following is an entry in ClinVar:

ClinVar aggregate classification (germline): Benign (3 of 4 stars; one submission).

Conditions:
Hereditary thrombocytopenia and hematologic cancer predisposition syndrome. Identifiers: Orphanet 71290, MedGen CN281654, MONDO:0011071.

Allele frequency attached by ClinVar (database versions not stated): TOPMed 0.00204; gnomAD 0.00206 and 0.00208; 1000 Genomes Project 0.00220; 1000 Genomes Project 30x 0.00234; gnomAD exomes 0.00279.

Submission:

ClinGen Myeloid Malignancy Variant Curation Expert Panel
Classification: Benign for Hereditary thrombocytopenia and hematologic cancer predisposition syndrome. Last evaluated: 2020-05-13. Review status: reviewed by expert panel. Criteria: ClinGen MyeloMalig ACMG Specifications v1. Collection method: curation. Allele origin: germline. Inheritance: Autosomal dominant inheritance.
Comment: The RUNX1 c.*1683_*1684del variant in the 3' UTR has an MAF of 0.006654 (0.67%, 58/8716 alleles) in the African subpopulation of the gnomAD v2.1.1 cohort and is >= 0.0015 (0.15%) (BA1). This variant is detected in a homozygous state in 1 individual in the gnomAD v3 population database (BP2). In summary, this variant meets criteria to be classified as benign. ACMG/AMP criteria applied, as specified by the Myeloid Malignancy Variant Curation Expert Panel for RUNX1: BA1, BP2.

NM_001754.5(RUNX1):c.*1683_*1684del

Gene: RUNX1 (RUNX family transcription factor 1; minus strand). Cytogenetic location: 21q22.12.
Variant type: Deletion.
Coding change: c.*1683_*1684del on transcript NM_001754.5 (MANE Select); 1683 bases downstream of the stop codon through 1684 bases downstream of the stop codon, 2 bases deleted (AT; older notation c.*1683_*1684delAT).
Molecular consequence: 3 prime UTR variant.
Genome position (GRCh38, 1-based): chr21:34,790,451-34,790,452, AT deleted on the plus strand (AT on the coding strand, the reverse complement: RUNX1 is on the minus strand). VCF-style (leftmost placement, unchanged base first): chr21-34790450-CAT-C. GRCh37 (hg19) VCF-style: chr21-36162747-CAT-C.
Other names: c.*1683_*1684del (NM_001754.4, NM_001001890.3).
Identifiers: ClinVar variation 339843 (VCV000339843.6), dbSNP rs55761346, ClinGen allele CA10653562.